The following is an entry in ClinVar:

NM_018100.4(EFHC1):c.1261C>T (p.Arg421Cys)

Gene: EFHC1 (EF-hand domain containing 1; plus strand). Cytogenetic location: 6p12.2.
Variant type: single nucleotide variant.
Coding change: c.1261C>T on transcript NM_018100.4 (MANE Select); coding-DNA position 1261, C replaced by T.
Protein change: p.Arg421Cys; replaces arginine 421 with cysteine.
Molecular consequence: missense variant. On other transcripts: non-coding transcript variant (1).
Genome position (GRCh38, 1-based): chr6:52,469,456, C>T. VCF-style: chr6-52469456-C-T. GRCh37 (hg19) VCF-style: chr6-52334254-C-T.
Other names: c.1204C>T, p.Arg402Cys (NM_001172420.2); short protein forms R402C, R421C.
Identifiers: ClinVar variation 1059553 (VCV001059553.10), dbSNP rs144389178, ClinGen allele CA3856025.

ClinVar aggregate classification (germline): Uncertain significance (1 of 4 stars; one submission).

Conditions:
Myoclonic epilepsy, juvenile, susceptibility to, 1. Also called: Myoclonic Epilepsy, Juvenile, 1; EJM1. Identifiers: MedGen C1850778, MONDO:0020752, OMIM 254770.
Absence seizure. Also called: Absence epilepsy. Identifiers: Orphanet 1941, MedGen C0014553.

Allele frequency attached by ClinVar (database versions not stated): gnomAD exomes 0.00002 and 0.00003; ExAC 0.00004; gnomAD 0.00004; TOPMed 0.00004; ESP Exome Variant Server 0.00015.
gnomAD v4.1: 32 of 1,613,692 alleles (0.002%); highest among the groups gnomAD compares: Middle Eastern, 0.016%; no homozygotes.

Submission:

Labcorp Genetics (formerly Invitae), Labcorp
Classification: Uncertain significance for Myoclonic epilepsy, juvenile, susceptibility to, 1; Absence seizure. Last evaluated: 2020-07-05. Review status: criteria provided, single submitter. Criteria: Invitae Variant Classification Sherloc (09022015). Collection method: clinical testing. Allele origin: germline.
Comment: In summary, the available evidence is currently insufficient to determine the role of this variant in disease. Therefore, it has been classified as a Variant of Uncertain Significance. Algorithms developed to predict the effect of missense changes on protein structure and function (SIFT, PolyPhen-2, Align-GVGD) all suggest that this variant is likely to be disruptive, but these predictions have not been confirmed by published functional studies and their clinical significance is uncertain. This variant has not been reported in the literature in individuals with EFHC1-related conditions. This variant is present in population databases (rs144389178, ExAC 0.02%). This sequence change replaces arginine with cysteine at codon 421 of the EFHC1 protein (p.Arg421Cys). The arginine residue is highly conserved and there is a large physicochemical difference between arginine and cysteine.